The following is an entry in ClinVar:

ClinVar aggregate classification (germline): Uncertain significance (1 of 4 stars; one submission).

Conditions:
Inborn genetic diseases. Identifiers: MedGen C0950123, MeSH D030342.

Submission:

Ambry Genetics
Classification: Uncertain significance for Inborn genetic diseases. Last evaluated: 2020-04-28. Review status: criteria provided, single submitter. Criteria: Ambry Variant Classification Scheme 2023. Collection method: clinical testing. Allele origin: germline.
Comment: The alteration results in an amino acid change:_x000D_ _x000D_ The c.2350G>C (p.V784L) alteration is located in coding exon 15 of the POLR2A gene. This alteration results from a G to C substitution at nucleotide position 2350, causing the valine (V) at amino acid position 784 to be replaced by a leucine (L). The alteration is not observed in population databases: _x000D_ _x000D_ Based on data from the Genome Aggregation Database (gnomAD), the POLR2A c.2350G>C alteration was not observed, with coverage at this position. The altered amino acid is conserved throughout evolution:_x000D_ _x000D_ The p.V784 amino acid is conserved in available vertebrate species. The alteration is predicted deleterious by in silico modeling:_x000D_ _x000D_ The p.V784L alteration is predicted to be deleterious by in silico analysis. Based on insufficient or conflicting evidence, the clinical significance of this alteration remains unclear.

NM_000937.5(POLR2A):c.2350G>C (p.Val784Leu)

Genes: POLR2A (RNA polymerase II subunit A; plus strand), LOC126862481 (BRD4-independent group 4 enhancer GRCh37_chr17:7405086-7406285; plus strand). Cytogenetic location: 17p13.1.
Variant type: single nucleotide variant.
Coding change: c.2350G>C on transcript NM_000937.5 (MANE Select); coding-DNA position 2350, G replaced by C.
Protein change: p.Val784Leu; replaces valine 784 with leucine.
Molecular consequence: missense variant.
Genome position (GRCh38, 1-based): chr17:7,501,900, G>C. VCF-style: chr17-7501900-G-C. GRCh37 (hg19) VCF-style: chr17-7405219-G-C.
Other names: short protein forms V784L.
Identifiers: ClinVar variation 985472 (VCV000985472.5), dbSNP rs2070591452, ClinGen allele CA397887488.